The following is an entry in ClinVar:

NM_004360.5(CDH1):c.1900G>T (p.Ala634Ser)

Gene: CDH1 (cadherin 1; plus strand). Cytogenetic location: 16q22.1.
Variant type: single nucleotide variant.
Coding change: c.1900G>T on transcript NM_004360.5 (MANE Select); coding-DNA position 1900, G replaced by T.
Protein change: p.Ala634Ser; replaces alanine 634 with serine.
Molecular consequence: missense variant. On other transcripts: 5 prime UTR variant (1).
Genome position (GRCh38, 1-based): chr16:68,822,189, G>T. VCF-style: chr16-68822189-G-T. GRCh37 (hg19) VCF-style: chr16-68856092-G-T.
Other names: c.1717G>T, p.Ala573Ser (NM_001317184.2); c.352G>T, p.Ala118Ser (NM_001317185.2); c.-66G>T (NM_001317186.2); short protein forms A573S, A118S, A634S.
Identifiers: ClinVar variation 843248 (VCV000843248.14), dbSNP rs1060501240, ClinGen allele CA396467180.

ClinVar aggregate classification (germline): Conflicting classifications of pathogenicity. Review status: criteria provided, conflicting classifications (1 of 4 stars). 3 submissions from 3 submitters: Uncertain significance (2); Likely benign (1). Last evaluated 2025-10-27.

Conditions:
Hereditary cancer-predisposing syndrome. Also called: Neoplastic Syndromes, Hereditary; Hereditary neoplastic syndrome; Tumor predisposition; Hereditary Cancer Syndrome. Identifiers: Orphanet 140162, MedGen C0027672, MeSH D009386, MONDO:0015356.
Hereditary diffuse gastric adenocarcinoma (HDGC). Also called: DIFFUSE GASTRIC AND LOBULAR BREAST CANCER SYNDROME. Identifiers: Orphanet 26106, MedGen C1708349, MONDO:0007648, OMIM 137215.

Submissions (3):

Ambry Genetics
Classification: Likely benign for Hereditary cancer-predisposing syndrome. Last evaluated: 2025-10-27. Review status: criteria provided, single submitter. Criteria: Ambry Variant Classification Scheme 2023. Collection method: clinical testing. Allele origin: germline.

Labcorp Genetics (formerly Invitae), Labcorp
Classification: Uncertain significance for Hereditary diffuse gastric adenocarcinoma. Last evaluated: 2024-08-08. Review status: criteria provided, single submitter. Criteria: Invitae Variant Classification Sherloc (09022015). Collection method: clinical testing. Allele origin: germline.
Comment: This sequence change replaces alanine, which is neutral and non-polar, with serine, which is neutral and polar, at codon 634 of the CDH1 protein (p.Ala634Ser). This variant is not present in population databases (gnomAD no frequency). This variant has not been reported in the literature in individuals affected with CDH1-related conditions. ClinVar contains an entry for this variant (Variation ID: 843248). An algorithm developed to predict the effect of missense changes on protein structure and function (PolyPhen-2) suggests that this variant is likely to be tolerated. This variant disrupts the p.Ala634 amino acid residue in CDH1. Other variant(s) that disrupt this residue have been determined to be pathogenic (PMID: 12096341, 12588804, 14500541, 15288293, 15735979, 22850631, 29454568). This suggests that this residue is clinically significant, and that variants that disrupt this residue are likely to be disease-causing. In summary, the available evidence is currently insufficient to determine the role of this variant in disease. Therefore, it has been classified as a Variant of Uncertain Significance.

Color Diagnostics, LLC DBA Color Health
Classification: Uncertain significance for Hereditary cancer-predisposing syndrome. Last evaluated: 2023-02-13. Review status: criteria provided, single submitter. Criteria: ACMG Guidelines, 2015. Collection method: clinical testing. Allele origin: germline.
Comment: This missense variant replaces alanine with serine at codon 634 of the CDH1 protein. Computational prediction suggests that this variant may not impact protein structure and function (internally defined REVEL score threshold <= 0.5, PMID: 27666373). To our knowledge, functional studies have not been reported for this variant. This variant has not been reported in individuals affected with hereditary cancer in the literature. This variant has not been identified in the general population by the Genome Aggregation Database (gnomAD). A different missense variant at this codon, c.1901C>T (p.Ala634Val), is considered disease-causing in ClinVar with reported impact on the variant protein and mRNA splicing (ClinVar variation ID: 12244). However, this variant c.1900G>T (p.Ala634Ser) is not predicted to affect protein function or mRNA splicing. The available evidence is insufficient to determine the role of this variant in disease conclusively. Therefore, this variant is classified as a Variant of Uncertain Significance.

Literature cited by the submitters: PubMed 12096341 (cited by Labcorp Genetics (formerly Invitae), Labcorp); PubMed 12588804 (cited by Labcorp Genetics (formerly Invitae), Labcorp); PubMed 14500541 (cited by Labcorp Genetics (formerly Invitae), Labcorp); PubMed 15288293 (cited by Labcorp Genetics (formerly Invitae), Labcorp); PubMed 15735979 (cited by Labcorp Genetics (formerly Invitae), Labcorp); PubMed 22850631 (cited by Labcorp Genetics (formerly Invitae), Labcorp); PubMed 29454568 (cited by Labcorp Genetics (formerly Invitae), Labcorp).